The following is an entry in ClinVar:

ClinVar aggregate classification (germline): Uncertain significance (1 of 4 stars; one submission).

Conditions:
Joubert syndrome. Also called: CEREBELLOPARENCHYMAL DISORDER IV; JOUBERT-BOLTSHAUSER SYNDROME; Familial aplasia of the vermis. Identifiers: Orphanet 475, MedGen C5979921, MONDO:0018772.
Orofaciodigital syndrome I (OFD1). Also called: OFDS I; Papillon-Leage and Psaume Syndrome; Oral-Facial-Digital Syndrome Type I. Identifiers: Orphanet 2750, MedGen C1510460, MONDO:0010702, OMIM 311200.

Submission:

Labcorp Genetics (formerly Invitae), Labcorp
Classification: Uncertain significance for Orofaciodigital syndrome I; Joubert syndrome. Last evaluated: 2022-10-07. Review status: criteria provided, single submitter. Criteria: Invitae Variant Classification Sherloc (09022015). Collection method: clinical testing. Allele origin: germline.
Comment: In summary, the available evidence is currently insufficient to determine the role of this variant in disease. Therefore, it has been classified as a Variant of Uncertain Significance. Experimental studies and prediction algorithms are not available or were not evaluated, and the functional significance of this variant is currently unknown. This variant has not been reported in the literature in individuals affected with OFD1-related conditions. This variant is not present in population databases (gnomAD no frequency). This variant, c.2638_2640del, results in the deletion of 1 amino acid(s) of the OFD1 protein (p.Glu880del), but otherwise preserves the integrity of the reading frame.

NM_003611.3(OFD1):c.2632GAA[2] (p.Glu880del)

Gene: OFD1 (OFD1 centriole and centriolar satellite protein; plus strand). Cytogenetic location: Xp22.2.
Variant type: Microsatellite.
Coding change: c.2632GAA[2] on transcript NM_003611.3 (MANE Select); two copies in a row of the 3-base unit GAA starting at c.2632; the reference has three copies in a row; one copy, 3 bases deleted.
Protein change: p.Glu880del; deletes glutamic acid 880.
Molecular consequence: inframe deletion.
Genome position (GRCh38, 1-based): chrX:13,767,165-13,767,167, GAA deleted; deleting any 3 consecutive bases within chrX:13,767,159-13,767,167 gives the same sequence; the position shown is the placement nearest the transcript's 3' end. VCF-style (leftmost placement, unchanged base first): chrX-13767158-GGAA-G. GRCh37 (hg19) VCF-style: chrX-13785277-GGAA-G.
Other names: c.2512GAA[2], p.Glu840del (NM_001330209.2); c.2212GAA[2], p.Glu740del (NM_001330210.2); short protein forms E840del, E880del, E740del.
Identifiers: ClinVar variation 1976812 (VCV001976812.5), dbSNP rs2048160503, ClinGen allele CA1131169088.